The following is an entry in ClinVar:

ClinVar aggregate classification (germline): Uncertain significance. Review status: criteria provided, single submitter (1 of 4 stars). 2 submissions from 2 submitters: Uncertain significance (1). 1 of the submissions does not count toward it. Last evaluated 2026-04-22.

Conditions:
Pilarowski-Bjornsson syndrome. Also called: DEVELOPMENTAL DELAY AND SPEECH APRAXIA WITH OR WITHOUT SEIZURES. Identifiers: Orphanet 529965, MedGen C4540131, MONDO:0060568, OMIM 617682.

Submissions (2):

MVZ Martinsried, Medicover Genetics
Classification: Uncertain significance for Pilarowski-Bjornsson syndrome. Last evaluated: 2026-04-22. Review status: criteria provided, single submitter. Criteria: ClinGen Variant Curation SOP V3.2 + Classification Guidance July2025. Collection method: clinical testing. Allele origin: inherited. Affected: yes. Observed: 1 heterozygote.

Diagnostics Centre, Carl Von Ossietzky University Oldenburg
Classification: Uncertain significance for Pilarowski-Bjornsson syndrome. Last evaluated: 2024-12-20. Review status: no assertion criteria provided. Collection method: clinical testing. Allele origin: germline. Affected: yes. Observed: 1 variant allele. Not counted in ClinVar's aggregate classification.
Comment: The variant CHD1:c.3287C>T p.(Ser1096Phe), located in the coding exon 24 of CHD1 gene, results from a cytosine to thymine substitution at nucleotide position c.3287. The serine residue at protein position 1096 is replaced by a phenylalanine. Missense variants in this gene or the affected region are a known disease mechanism and are rare in the general population. The affected protein region has significant levels of missense constrain. In silico tools predict a deleterious impact in protein structure and function (Revel = 0.675). The variant has not yet been described in ClinVar. This variant is classified as very rare since it is absent in gnomAD v4.1.0. In summary, the variant is classified as variant of unclear significance.

NM_001270.4(CHD1):c.3287C>T (p.Ser1096Phe)

Gene: CHD1 (chromodomain helicase DNA binding protein 1; minus strand). Cytogenetic location: 5q15.
Variant type: single nucleotide variant.
Coding change: c.3287C>T on transcript NM_001270.4 (MANE Select); coding-DNA position 3287, C replaced by T.
Protein change: p.Ser1096Phe; replaces serine 1096 with phenylalanine.
Molecular consequence: missense variant. On other transcripts: non-coding transcript variant (2).
Genome position (GRCh38, 1-based): chr5:98,876,509, G>A on the plus strand (C>T on the coding strand, the complement: CHD1 is on the minus strand). VCF-style: chr5-98876509-G-A. GRCh37 (hg19) VCF-style: chr5-98212213-G-A.
Other names: c.3287C>T, p.Ser1096Phe (NM_001364113.3, NM_001376194.2); short protein forms S1096F.
Identifiers: ClinVar variation 3899235 (VCV003899235.2).
Genomic context (GRCh38, chr5:98,876,509, plus strand): 5'-CGTGGTCTTCCACGTTTCTTTGGCCTTTTCCCTTCTGAGATGGAATCACTATCAGATCCA[G>A]AGTATCTCCTACTTCTACTGCGCCTCCCTTCACTTCCATTGAAACTAATCTGGAATTGGA-3'
Protein context (NP_001261.2, residues 1086-1106): EGRRSRSRRY[Ser1096Phe]GSDSDSISEG